The following is an entry in ClinVar:

NM_182925.5(FLT4):c.4051C>T (p.Pro1351Ser)

Gene: FLT4 (fms related receptor tyrosine kinase 4; minus strand). Cytogenetic location: 5q35.3.
Variant type: single nucleotide variant.
Coding change: c.4051C>T on transcript NM_182925.5 (MANE Select); coding-DNA position 4051, C replaced by T.
Protein change: p.Pro1351Ser; replaces proline 1351 with serine.
Molecular consequence: missense variant.
Genome position (GRCh38, 1-based): chr5:180,603,233, G>A on the plus strand (C>T on the coding strand, the complement: FLT4 is on the minus strand). VCF-style: chr5-180603233-G-A. GRCh37 (hg19) VCF-style: chr5-180030233-G-A.
Other names: short protein forms P1351S.
Identifiers: ClinVar variation 2634512 (VCV002634512.1), dbSNP rs201381663, ClinGen allele CA133193911.

ClinVar aggregate classification (germline): Uncertain significance (1 of 4 stars; one submission).

Conditions:
FLT4-related disorder. Also called: FLT4-related condition.

Allele frequency attached by ClinVar (database versions not stated): gnomAD 0.00001; gnomAD exomes 0.00002; TOPMed 0.00002.
gnomAD v4.1: 25 of 1,614,034 alleles (0.0015%); highest among the groups gnomAD compares: Non-Finnish European, 0.0019%; no homozygotes.

Submission:

PreventionGenetics, part of Exact Sciences
Classification: Uncertain significance for FLT4-related condition. Last evaluated: 2023-10-05. Review status: criteria provided, single submitter. Criteria: ACMG Guidelines, 2015. Collection method: clinical testing. Allele origin: germline.
Comment: The FLT4 c.4051C>T variant is predicted to result in the amino acid substitution p.Pro1351Ser. To our knowledge, this variant has not been reported in the literature or in a large population database, indicating this variant is rare. At this time, the clinical significance of this variant is uncertain due to the absence of conclusive functional and genetic evidence.